The following is an entry in ClinVar:

ClinVar aggregate classification (germline): Uncertain significance (1 of 4 stars; one submission).

gnomAD v4.1: 2 of 1,521,092 alleles (0.00013%); highest among the groups gnomAD compares: Admixed American, 0.0021%; no homozygotes.

Submission:

Ambry Genetics
Classification: Uncertain significance. Last evaluated: 2025-06-06. Review status: criteria provided, single submitter. Criteria: Ambry Variant Classification Scheme 2023. Collection method: clinical testing. Allele origin: germline.
Comment: The p.P667H variant (also known as c.2000C>A), located in coding exon 8 of the WNK2 gene, results from a C to A substitution at nucleotide position 2000. The proline at codon 667 is replaced by histidine, an amino acid with similar properties. This amino acid position is conserved. In addition, the in silico prediction for this alteration is inconclusive. Based on the available evidence, the clinical significance of this variant remains unclear.

NM_006648.4(WNK2):c.2000C>A (p.Pro667His)

Gene: WNK2 (WNK lysine deficient protein kinase 2; plus strand). Cytogenetic location: 9q22.31.
Variant type: single nucleotide variant.
Coding change: c.2000C>A on transcript NM_006648.4 (MANE Select); coding-DNA position 2000, C replaced by A.
Protein change: p.Pro667His; replaces proline 667 with histidine.
Molecular consequence: missense variant.
Genome position (GRCh38, 1-based): chr9:93,253,048, C>A. VCF-style: chr9-93253048-C-A. GRCh37 (hg19) VCF-style: chr9-96015330-C-A.
Other names: c.2000C>A, p.Pro667His (NM_001282394.3); short protein forms P667H.
Identifiers: ClinVar variation 3982182 (VCV003982182.1).